The following is an entry in ClinVar:

ClinVar aggregate classification (germline): Benign (1 of 4 stars; one submission).

Conditions:
MELAS syndrome (MELAS). Also called: Juvenile myopathy, encephalopathy, lactic acidosis, stroke. Identifiers: Orphanet 550, MedGen C0162671, MONDO:0010789, OMIM 540000.

Submission:

Wong Mito Lab, Molecular and Human Genetics, Baylor College of Medicine
Classification: Benign for MELAS syndrome. Last evaluated: 2019-07-12. Review status: criteria provided, single submitter. Criteria: Modified ACMG Guidelines (Unpublished). Collection method: clinical testing. Allele origin: germline.
Comment: The NC_012920.1:m.15926C>T variant in MT-TT gene is interpreted to be a Benign variant based on the modified ACMG guidelines (unpublished). This variant meets the following evidence codes reported in the guidelines: BS1, BS2, BP4

Literature cited by the submitters: PubMed 31965079.

NC_012920.1(MT-TT):m.15926C>T

Gene: MT-TT (mitochondrially encoded tRNA threonine; plus strand).
Variant type: single nucleotide variant.
Genome position: chrM-15926-C-T.
Identifiers: ClinVar variation 690238 (VCV000690238.1), dbSNP rs1603225597, ClinGen allele CA913175224.
Genomic context (GRCh38, chrMT:15,926, plus strand): 5'-AACAAAATACTCAAATGGGCCTGTCCTTGTAGTATAAACTAATACACCAGTCTTGTAAAC[C>T]GGAGATGAAAACCTTTTTCCAAGGACAAATCAGAGAAAAAGTCTTTAACTCCACCATTAG-3'